The following is an entry in ClinVar:

NM_000489.6(ATRX):c.4934T>C (p.Leu1645Ser)

Gene: ATRX (ATRX chromatin remodeler; minus strand). Cytogenetic location: Xq21.1.
Variant type: single nucleotide variant.
Coding change: c.4934T>C on transcript NM_000489.6 (MANE Select); coding-DNA position 4934, T replaced by C.
Protein change: p.Leu1645Ser; replaces leucine 1645 with serine.
Molecular consequence: missense variant.
Genome position (GRCh38, 1-based): chrX:77,633,588, A>G on the plus strand (T>C on the coding strand, the complement: ATRX is on the minus strand). VCF-style: chrX-77633588-A-G. GRCh37 (hg19) VCF-style: chrX-76889076-A-G.
Other names: c.4820T>C, p.Leu1607Ser (NM_138270.5); short protein forms L1645S, L1607S.
Identifiers: ClinVar variation 4795928 (VCV004795928.1).

ClinVar aggregate classification (germline): Likely pathogenic (1 of 4 stars; one submission).

Conditions:
X-linked ATRX-related disorders.

Submission:

Variantyx, Inc.
Classification: Likely pathogenic for X-linked ATRX-related disorders. Last evaluated: 2025-07-09. Review status: criteria provided, single submitter. Criteria: Variantyx Assertion Criteria 2022. Collection method: clinical testing. Allele origin: maternal. Inheritance: X-linked inheritance.
Comment: This is a nonsynonymous variant in the ATRX gene (OMIM: 300032). Pathogenic variants in this gene have been associated with X-linked ATRX-related disorders. This variant has been reported in at least one affected individual (PMID: 10995512) (PS4), and is absent from control populations (PM2). This variant lies within a well-established critical functional domain of the ATRX protein (PMID: 16813605, 21505078) (PM1), and multiple computational algorithms predict a deleterious effect (REVEL score: 0.91) (PP3). Based on the current evidence, this variant is classified as likely pathogenic for X-linked ATRX-related disorders.

Literature cited by the submitters: PubMed 16813605; PubMed 21505078; PubMed 10995512.